The following is an entry in ClinVar:

NM_015450.3(POT1):c.1090G>A (p.Ala364Thr)

Gene: POT1 (protection of telomeres 1; minus strand). Cytogenetic location: 7q31.33.
Variant type: single nucleotide variant.
Coding change: c.1090G>A on transcript NM_015450.3 (MANE Select); coding-DNA position 1090, G replaced by A.
Protein change: p.Ala364Thr; replaces alanine 364 with threonine.
Molecular consequence: missense variant. On other transcripts: non-coding transcript variant (3).
Genome position (GRCh38, 1-based): chr7:124,842,880, C>T on the plus strand (G>A on the coding strand, the complement: POT1 is on the minus strand). VCF-style: chr7-124842880-C-T. GRCh37 (hg19) VCF-style: chr7-124482934-C-T.
Other names: c.697G>A, p.Ala233Thr (NM_001042594.2); short protein forms A364T, A233T.
Identifiers: ClinVar variation 1475530 (VCV001475530.6), dbSNP rs2116467771, ClinGen allele CA369068364.

ClinVar aggregate classification (germline): Uncertain significance (1 of 4 stars; one submission).

Conditions:
Tumor predisposition syndrome 3 (TPDS3). Also called: Melanoma, cutaneous malignant, susceptibility to, 10; LONG TELOMERE SYNDROME, POT1-RELATED; POT1 Tumor Predisposition; Glioma susceptibility 9. Identifiers: Orphanet 618, MedGen C4014476, MONDO:0014368, OMIM 615848.

Submission:

Labcorp Genetics (formerly Invitae), Labcorp
Classification: Uncertain significance for Tumor predisposition syndrome 3. Last evaluated: 2021-08-17. Review status: criteria provided, single submitter. Criteria: Invitae Variant Classification Sherloc (09022015). Collection method: clinical testing. Allele origin: germline.
Comment: This sequence change replaces alanine with threonine at codon 364 of the POT1 protein (p.Ala364Thr). The alanine residue is highly conserved and there is a small physicochemical difference between alanine and threonine. This variant is not present in population databases (ExAC no frequency). This variant has not been reported in the literature in individuals affected with POT1-related conditions. Algorithms developed to predict the effect of missense changes on protein structure and function are either unavailable or do not agree on the potential impact of this missense change (SIFT: "Deleterious"; PolyPhen-2: "Probably Damaging"; Align-GVGD: "Class C0"). In summary, the available evidence is currently insufficient to determine the role of this variant in disease. Therefore, it has been classified as a Variant of Uncertain Significance.